The following is an entry in ClinVar:

NM_001033855.3(DCLRE1C):c.1651T>C (p.Trp551Arg)

Gene: DCLRE1C (DNA cross-link repair 1C; minus strand). Cytogenetic location: 10p13.
Variant type: single nucleotide variant.
Coding change: c.1651T>C on transcript NM_001033855.3 (MANE Select); coding-DNA position 1651, T replaced by C.
Protein change: p.Trp551Arg; replaces tryptophan 551 with arginine.
Molecular consequence: missense variant. On other transcripts: non-coding transcript variant (4).
Genome position (GRCh38, 1-based): chr10:14,908,836, A>G on the plus strand (T>C on the coding strand, the complement: DCLRE1C is on the minus strand). VCF-style: chr10-14908836-A-G. GRCh37 (hg19) VCF-style: chr10-14950835-A-G.
Other names: c.1291T>C, p.Trp431Arg (NM_001033857.3, NM_001033858.3, NM_001289077.2 and 2 more transcripts); c.1306T>C, p.Trp436Arg (NM_001289076.2, NM_001289078.2, NM_001350966.2 and 1 more transcripts); c.1651T>C, p.Trp551Arg (NM_001350965.2); short protein forms W431R, W551R, W436R.
Identifiers: ClinVar variation 1474996 (VCV001474996.5), dbSNP rs779050968, ClinGen allele CA5416440.

ClinVar aggregate classification (germline): Uncertain significance (1 of 4 stars; one submission).

Conditions:
Severe combined immunodeficiency due to DCLRE1C deficiency (RS-SCID). Also called: SCID, AUTOSOMAL RECESSIVE, T CELL-NEGATIVE, B CELL-NEGATIVE, NK CELL-POSITIVE, WITH SENSITIVITY TO IONIZING RADIATION. Identifiers: Orphanet 275, MedGen C1865371, MONDO:0011225, OMIM 602450.

Allele frequency attached by ClinVar (database versions not stated): ExAC 0.00001; gnomAD exomes below 0.00001.
gnomAD v4.1: 4 of 1,614,190 alleles (0.00025%); highest among the groups gnomAD compares: South Asian, 0.0044%; no homozygotes.

Submission:

Labcorp Genetics (formerly Invitae), Labcorp
Classification: Uncertain significance for Athabaskan severe combined immunodeficiency. Last evaluated: 2021-08-27. Review status: criteria provided, single submitter. Criteria: Invitae Variant Classification Sherloc (09022015). Collection method: clinical testing. Allele origin: germline.
Comment: This sequence change replaces tryptophan with arginine at codon 551 of the DCLRE1C protein (p.Trp551Arg). The tryptophan residue is moderately conserved and there is a moderate physicochemical difference between tryptophan and arginine. This variant is present in population databases (rs779050968, ExAC 0.006%). This variant has not been reported in the literature in individuals affected with DCLRE1C-related conditions. Algorithms developed to predict the effect of missense changes on protein structure and function are either unavailable or do not agree on the potential impact of this missense change (SIFT: "Tolerated"; PolyPhen-2: "Possibly Damaging"; Align-GVGD: "Class C0"). In summary, the available evidence is currently insufficient to determine the role of this variant in disease. Therefore, it has been classified as a Variant of Uncertain Significance.